The following is an entry in ClinVar:

NM_000051.4(ATM):c.6453-3T>A

Genes: ATM (ATM serine/threonine kinase; plus strand), C11orf65 (chromosome 11 open reading frame 65; minus strand). Cytogenetic location: 11q22.3.
Variant type: single nucleotide variant.
Coding change: c.6453-3T>A on transcript NM_000051.4 (MANE Select); 3 bases into the intron before coding-DNA position 6453, T replaced by A.
Molecular consequence: intron variant.
Genome position (GRCh38, 1-based): chr11:108,321,298, T>A. VCF-style: chr11-108321298-T-A. GRCh37 (hg19) VCF-style: chr11-108192025-T-A.
Other names: c.6453-3T>A (NM_001351834.2); c.641-12227A>T (NM_001330368.2); c.*39-12227A>T (NM_001351110.2).
Identifiers: ClinVar variation 928286 (VCV000928286.8), dbSNP rs768073845, ClinGen allele CA1139662247.
Genomic context (GRCh38, chr11:108,321,298, plus strand): 5'-AACATTTATTTCCCTGAAAACCTCTTCTTTATTTTCAGAGTGTCTTTTCTTTTTTGCTAC[T>A]AGAGTAAAAGAAGTGGAAGAGATGTGTAAGCGCAGCCTTGAGTCTGTGTATTCGCTCTAT-3'

ClinVar aggregate classification (germline): Uncertain significance. Review status: criteria provided, multiple submitters, no conflicts (2 of 4 stars). 3 submissions from 3 submitters: Uncertain significance (3). Last evaluated 2026-02-03.

Conditions:
Hereditary cancer-predisposing syndrome. Also called: Tumor predisposition; Neoplastic Syndromes, Hereditary; Hereditary neoplastic syndrome; Hereditary Cancer Syndrome. Identifiers: Orphanet 140162, MedGen C0027672, MeSH D009386, MONDO:0015356.
Ataxia-telangiectasia syndrome (AT). Also called: Ataxia-telangiectasia, complementation group D; AT, COMPLEMENTATION GROUP C; ATAXIA-TELANGIECTASIA, COMPLEMENTATION GROUP A; ATAXIA-TELANGIECTASIA, FRESNO VARIANT; Ataxia-telangiectasia; Ataxia telangiectasia (A-T). Identifiers: Orphanet 100, MedGen C0004135, MONDO:0008840, OMIM 208900.

Submissions (3):

Ambry Genetics
Classification: Uncertain significance for Hereditary cancer-predisposing syndrome. Last evaluated: 2026-02-03. Review status: criteria provided, single submitter. Criteria: Ambry Variant Classification Scheme 2023. Collection method: clinical testing. Allele origin: germline.
Comment: The c.6453-3T>A intronic variant results from a T to A substitution 3 nucleotides upstream from coding exon 44 in the ATM gene. This nucleotide position is well conserved in available vertebrate species. In silico splice site analysis predicts that this alteration will weaken the native splice acceptor site and may result in the creation or strengthening of a novel splice acceptor site. Based on the available evidence, the clinical significance of this variant remains unclear.

Labcorp Genetics (formerly Invitae), Labcorp
Classification: Uncertain significance for Ataxia-telangiectasia syndrome. Last evaluated: 2025-03-09. Review status: criteria provided, single submitter. Criteria: Invitae Variant Classification Sherloc (09022015). Collection method: clinical testing. Allele origin: germline.
Comment: This sequence change falls in intron 44 of the ATM gene. It does not directly change the encoded amino acid sequence of the ATM protein. It affects a nucleotide within the consensus splice site. This variant is not present in population databases (gnomAD no frequency). This variant has not been reported in the literature in individuals affected with ATM-related conditions. ClinVar contains an entry for this variant (Variation ID: 928286). Variants that disrupt the consensus splice site are a relatively common cause of aberrant splicing (PMID: 17576681, 9536098). RNA analysis provides insufficient evidence to determine the effect of this variant on ATM splicing (Internal data) In summary, the available evidence is currently insufficient to determine the role of this variant in disease. Therefore, it has been classified as a Variant of Uncertain Significance.

Color Diagnostics, LLC DBA Color Health
Classification: Uncertain significance for Hereditary cancer-predisposing syndrome. Last evaluated: 2020-01-23. Review status: criteria provided, single submitter. Criteria: ACMG Guidelines, 2015. Collection method: clinical testing. Allele origin: germline.
Comment: This variant causes a T>A nucleotide substitution at the -3 position of intron 44 of the ATM gene. To our knowledge, functional studies have not been performed for this variant. This variant has not been reported in individuals affected with hereditary cancer in the literature. This variant has not been identified in the general population by the Genome Aggregation Database (gnomAD). The available evidence is insufficient to determine the role of this variant in disease conclusively. Therefore, this variant is classified as a Variant of Uncertain Significance.

Literature cited by the submitters: PubMed 17576681 (cited by Labcorp Genetics (formerly Invitae), Labcorp); PubMed 9536098 (cited by Labcorp Genetics (formerly Invitae), Labcorp).